The following is an entry in ClinVar:

ClinVar aggregate classification (germline): Uncertain significance (1 of 4 stars; one submission).

Conditions:
PHF3-related disorder. Also called: PHF3-related condition.

Submission:

PreventionGenetics, part of Exact Sciences
Classification: Uncertain significance for PHF3-related condition. Last evaluated: 2025-10-03. Review status: criteria provided, single submitter. Criteria: ACMG Guidelines, 2015. Collection method: clinical testing. Allele origin: germline.
Comment: The PHF3 c.922_923delGT variant is predicted to result in a frameshift and premature protein termination (p.Val308Cysfs*2). To our knowledge, this variant has not been reported in the literature or in a large population database (gnomAD), indicating this variant is rare. Although we suspect that this variant may be pathogenic, at this time, the clinical significance of this variant is uncertain due to the absence of conclusive functional and genetic evidence.

NM_001370348.2(PHF3):c.922_923del (p.Val308fs)

Gene: PHF3 (PHD finger protein 3; plus strand). Cytogenetic location: 6q12.
Variant type: Deletion.
Coding change: c.922_923del on transcript NM_001370348.2 (MANE Select); coding-DNA positions 922 to 923, 2 bases deleted (GT; older notation c.922_923delGT).
Protein change: p.Val308fs; shifts the reading frame from valine 308.
Molecular consequence: frameshift variant. On other transcripts: intron variant (1).
Genome position (GRCh38, 1-based): chr6:63,684,644-63,684,645, GT deleted; deleting any 2 consecutive bases within chr6:63,684,643-63,684,645 gives the same sequence; the c. name uses the placement nearest the transcript's 3' end. VCF-style (leftmost placement, unchanged base first): chr6-63684642-CTG-C. GRCh37 (hg19) VCF-style: chr6-64394543-CTG-C.
Other names: c.658_659del, p.Val220fs (NM_001290259.2, NM_001370349.2); c.922_923del, p.Val308fs (NM_001290260.2, NM_015153.4); c.-5+4483_-5+4484del (NM_001370350.2); short protein forms V220fs, V308fs.
Identifiers: ClinVar variation 4995295 (VCV004995295.1).
Genomic context (GRCh38, chr6:63,684,642, plus strand): 5'-AGTTTTCAGATAAAGAAGAACATGAACAAAATGATTCCATTTCAGGTAAAACGGGTGAGA[CTG>C]TTGTTGAAGAAATGATAGCAACAAGAAAAGTTGAACAAGATTCAAAGGAGACAGTAAAAT-3'